The following is an entry in ClinVar:

ClinVar aggregate classification (germline): Uncertain significance (1 of 4 stars; one submission).

Conditions:
Norman-Roberts syndrome (LIS2). Also called: Lissencephaly 2 (Norman-Roberts type). Identifiers: Orphanet 89844, MedGen C0796089, MONDO:0009760, OMIM 257320.
Familial temporal lobe epilepsy 7. Identifiers: Orphanet 101046, MedGen C4225327, MONDO:0014639, OMIM 616436.

Submission:

Labcorp Genetics (formerly Invitae), Labcorp
Classification: Uncertain significance for Familial temporal lobe epilepsy 7; Norman-Roberts syndrome. Last evaluated: 2024-07-12. Review status: criteria provided, single submitter. Criteria: Invitae Variant Classification Sherloc (09022015). Collection method: clinical testing. Allele origin: germline.
Comment: This sequence change replaces glycine, which is neutral and non-polar, with serine, which is neutral and polar, at codon 1344 of the RELN protein (p.Gly1344Ser). This variant is not present in population databases (gnomAD no frequency). This variant has not been reported in the literature in individuals affected with RELN-related conditions. Advanced modeling of protein sequence and biophysical properties (such as structural, functional, and spatial information, amino acid conservation, physicochemical variation, residue mobility, and thermodynamic stability) performed at Invitae indicates that this missense variant is not expected to disrupt RELN protein function with a negative predictive value of 80%. In summary, the available evidence is currently insufficient to determine the role of this variant in disease. Therefore, it has been classified as a Variant of Uncertain Significance.

NM_005045.4(RELN):c.4030G>A (p.Gly1344Ser)

Gene: RELN (reelin; minus strand). Cytogenetic location: 7q22.1.
Variant type: single nucleotide variant.
Coding change: c.4030G>A on transcript NM_005045.4 (MANE Select); coding-DNA position 4030, G replaced by A.
Protein change: p.Gly1344Ser; replaces glycine 1344 with serine.
Molecular consequence: missense variant.
Genome position (GRCh38, 1-based): chr7:103,589,711, C>T on the plus strand (G>A on the coding strand, the complement: RELN is on the minus strand). VCF-style: chr7-103589711-C-T. GRCh37 (hg19) VCF-style: chr7-103230158-C-T.
Other names: c.4030G>A, p.Gly1344Ser (NM_173054.3); short protein forms G1344S.
Identifiers: ClinVar variation 3749462 (VCV003749462.2).